The following is an entry in ClinVar:

ClinVar aggregate classification (germline): Uncertain significance. Review status: criteria provided, multiple submitters, no conflicts (2 of 4 stars). 4 submissions from 4 submitters: Uncertain significance (4). Last evaluated 2025-06-12.

Conditions:
DICER1-related tumor predisposition. Also called: DICER1 syndrome; DICER1-related pleuropulmonary blastoma cancer predisposition syndrome. Identifiers: Orphanet 284343, MedGen C3839822, MONDO:0100216.
Global developmental delay - lung cysts - overgrowth - Wilms tumor syndrome. Also called: GLOW Syndrome; GLOBAL DEVELOPMENTAL DELAY, LUNG CYSTS, OVERGROWTH, AND WILMS TUMOR. Identifiers: Orphanet 404476, MedGen C4748924, MONDO:0018445, OMIM 618272.
Hereditary cancer-predisposing syndrome. Also called: Neoplastic Syndromes, Hereditary; Hereditary Cancer Syndrome; Hereditary neoplastic syndrome; Tumor predisposition. Identifiers: Orphanet 140162, MedGen C0027672, MeSH D009386, MONDO:0015356.

Allele frequency attached by ClinVar (database versions not stated): gnomAD exomes below 0.00001; TOPMed below 0.00001.
gnomAD v4.1: 1 of 1,612,166 alleles (0.000062%); highest among the groups gnomAD compares: Non-Finnish European, 0.000085%; no homozygotes.

Submissions (4):

Ambry Genetics
Classification: Uncertain significance for Hereditary cancer-predisposing syndrome. Last evaluated: 2025-06-12. Review status: criteria provided, single submitter. Criteria: Ambry Variant Classification Scheme 2023. Collection method: clinical testing. Allele origin: germline.
Comment: The p.D1446N variant (also known as c.4336G>A), located in coding exon 22 of the DICER1 gene, results from a G to A substitution at nucleotide position 4336. The aspartic acid at codon 1446 is replaced by asparagine, an amino acid with highly similar properties. This amino acid position is well conserved in available vertebrate species. In addition, this alteration is predicted to be tolerated by in silico analysis. Since supporting evidence is limited at this time, the clinical significance of this alteration remains unclear.

GeneDx
Classification: Uncertain significance. Last evaluated: 2024-05-07. Review status: criteria provided, single submitter. Criteria: GeneDx Variant Classification Process June 2021. Collection method: clinical testing. Allele origin: germline. Affected: yes.
Comment: Not observed at significant frequency in large population cohorts (gnomAD); In silico analysis indicates that this missense variant does not alter protein structure/function; Has not been previously published as pathogenic or benign to our knowledge

Labcorp Genetics (formerly Invitae), Labcorp
Classification: Uncertain significance for DICER1-related tumor predisposition. Last evaluated: 2024-04-10. Review status: criteria provided, single submitter. Criteria: Invitae Variant Classification Sherloc (09022015). Collection method: clinical testing. Allele origin: germline.
Comment: This sequence change replaces aspartic acid, which is acidic and polar, with asparagine, which is neutral and polar, at codon 1446 of the DICER1 protein (p.Asp1446Asn). This variant is not present in population databases (gnomAD no frequency). This variant has not been reported in the literature in individuals affected with DICER1-related conditions. ClinVar contains an entry for this variant (Variation ID: 641766). An algorithm developed to predict the effect of missense changes on protein structure and function (PolyPhen-2) suggests that this variant is likely to be disruptive. In summary, the available evidence is currently insufficient to determine the role of this variant in disease. Therefore, it has been classified as a Variant of Uncertain Significance.

Baylor Genetics
Classification: Uncertain significance for Global developmental delay - lung cysts - overgrowth - Wilms tumor syndrome. Last evaluated: 2023-12-28. Review status: criteria provided, single submitter. Criteria: ACMG Guidelines, 2015. Collection method: clinical testing. Allele origin: unknown.

NM_177438.3(DICER1):c.4336G>A (p.Asp1446Asn)

Gene: DICER1 (dicer 1, ribonuclease III; minus strand). Cytogenetic location: 14q32.13.
Variant type: single nucleotide variant.
Coding change: c.4336G>A on transcript NM_177438.3 (MANE Select); coding-DNA position 4336, G replaced by A.
Protein change: p.Asp1446Asn; replaces aspartic acid 1446 with asparagine.
Molecular consequence: missense variant.
Genome position (GRCh38, 1-based): chr14:95,096,584, C>T on the plus strand (G>A on the coding strand, the complement: DICER1 is on the minus strand). VCF-style: chr14-95096584-C-T. GRCh37 (hg19) VCF-style: chr14-95562921-C-T.
Other names: c.4336G>A, p.Asp1446Asn (NM_001195573.1, NM_001271282.3, NM_001291628.2 and 1 more transcripts); short protein forms D1446N.
Identifiers: ClinVar variation 641766 (VCV000641766.13), dbSNP rs899635943, ClinGen allele CA265898359.
Genomic context (GRCh38, chr14:95,096,584, plus strand): 5'-TCTTTACAAAAGCTCCTGACCCCATTAACATATTATCTATAAATCTGATATGTTCCTGAT[C>T]ATACTCCAGGAAATCATCTTCATAGTCAGCCTCTTCCTTCGGAGCCCTCCACATCAGGCT-3'
Protein context (NP_803187.1, residues 1436-1456): ADYEDDFLEY[Asp1446Asn]QEHIRFIDNM